The following is an entry in ClinVar:

ClinVar aggregate classification (germline): Likely pathogenic (0 of 4 stars; one submission).

Conditions:
Mulibrey nanism syndrome. Also called: MUSCLE-LIVER-BRAIN-EYE NANISM; PERHEENTUPA SYNDROME; PERICARDIAL CONSTRICTION AND GROWTH FAILURE. Identifiers: Orphanet 2576, MedGen C0524582, MONDO:0009664, OMIM 253250.

Allele frequency attached by ClinVar (database versions not stated): gnomAD exomes below 0.00001.

Submission:

Juha Muilu Group; Institute for Molecular Medicine Finland (FIMM)
Classification: Likely pathogenic for Mulibrey nanism syndrome. Review status: no assertion criteria provided. Collection method: not provided. Allele origin: unknown.
Comment: FinDis database variant: This variant was not found or characterized by our laboratory, data were collected from public sources: see reference
ClinVar note: Converted during submission from probable-pathogenic to Likely pathogenic.

NM_015294.6(TRIM37):c.1037_1040dup (p.Met347fs)

Gene: TRIM37 (tripartite motif containing 37; minus strand). Cytogenetic location: 17q22.
Variant type: Duplication.
Coding change: c.1037_1040dup on transcript NM_015294.6 (MANE Select); coding-DNA positions 1037 to 1040, 4 bases duplicated (AGAT; older notation c.1037_1040dupAGAT).
Protein change: p.Met347fs; shifts the reading frame from methionine 347.
Molecular consequence: frameshift variant. On other transcripts: non-coding transcript variant (2).
Genome position (GRCh38, 1-based): chr17:59,057,034-59,057,037, ATCT duplicated on the plus strand (AGAT on the coding strand, the reverse complement: TRIM37 is on the minus strand). VCF-style (leftmost placement, unchanged base first): chr17-59057033-C-CATCT. GRCh37 (hg19) VCF-style: chr17-57134394-C-CATCT.
Other names: c.1037_1040dup, p.Met347fs (NM_001005207.5, NM_001320988.3, NM_001320989.3 and 1 more transcripts); c.935_938dup, p.Met313fs (NM_001320987.3, NM_001353082.2); c.671_674dup, p.Met225fs (NM_001320990.3); c.302_305dup, p.Met102fs (NM_001353083.2); c.575_578dup, p.Met193fs (NM_001353085.2); c.986_989dup, p.Met330fs (NM_001353086.2); short protein forms M102fs, M225fs, M330fs, M347fs, M193fs, M313fs.
Identifiers: ClinVar variation 56563 (VCV000056563.2), dbSNP rs386833999, ClinGen allele CA144366.
Genomic context (GRCh38, chr17:59,057,033, plus strand): 5'-AAAGTCAGATGCAAATTCTCGAATGATATTTTTTGTAGGATCATTACAGGACTGGTGAAC[C>CATCT]ATCTCTACACGATATTCATATCTAAAATTGAAAAACAGACCATTACTATACAGTTAGTAA-3'